The following is an entry in ClinVar:

NM_000264.5(PTCH1):c.4172G>A (p.Arg1391Gln)

Gene: PTCH1 (patched 1; minus strand). Cytogenetic location: 9q22.32.
Variant type: single nucleotide variant.
Coding change: c.4172G>A on transcript NM_000264.5 (MANE Select); coding-DNA position 4172, G replaced by A.
Protein change: p.Arg1391Gln; replaces arginine 1391 with glutamine.
Molecular consequence: missense variant. On other transcripts: non-coding transcript variant (1).
Genome position (GRCh38, 1-based): chr9:95,447,084, C>T on the plus strand (G>A on the coding strand, the complement: PTCH1 is on the minus strand). VCF-style: chr9-95447084-C-T. GRCh37 (hg19) VCF-style: chr9-98209366-C-T.
Other names: c.3974G>A, p.Arg1325Gln (NM_001083602.3); c.4169G>A, p.Arg1390Gln (NM_001083603.3); c.3719G>A, p.Arg1240Gln (NM_001083604.3, NM_001083605.3, NM_001083606.3 and 1 more transcripts); c.4016G>A, p.Arg1339Gln (NM_001354918.2); short protein forms R1325Q, R1391Q, R1390Q, R1240Q, R1339Q.
Identifiers: ClinVar variation 381828 (VCV000381828.19), dbSNP rs773676486, ClinGen allele CA5137934.

ClinVar aggregate classification (germline): Likely benign. Review status: criteria provided, multiple submitters, no conflicts (2 of 4 stars). 4 submissions from 4 submitters: Likely benign (4). Last evaluated 2026-03-05.

Conditions:
Hereditary cancer-predisposing syndrome. Also called: Neoplastic Syndromes, Hereditary; Tumor predisposition; Hereditary Cancer Syndrome; Hereditary neoplastic syndrome. Identifiers: Orphanet 140162, MedGen C0027672, MeSH D009386, MONDO:0015356.
Gorlin syndrome. Also called: Nevoid Basal Cell Carcinoma Syndrome; Basal cell nevus syndrome. Identifiers: Orphanet 377, MedGen C0004779, MONDO:0007187.
PTCH1-related disorder. Also called: PTCH1-related disorders; PTCH1-related condition.

Allele frequency attached by ClinVar (database versions not stated): gnomAD 0.00002; gnomAD exomes 0.00004 and 0.00006; ExAC 0.00005; TOPMed 0.00005.
gnomAD v4.1: 64 of 1,613,812 alleles (0.004%); highest among the groups gnomAD compares: Admixed American, 0.0083%; no homozygotes.

Submissions (4):

PreventionGenetics, part of Exact Sciences
Classification: Likely benign for PTCH1-related condition. Last evaluated: 2026-03-05. Review status: criteria provided, single submitter. Criteria: ACMG Guidelines, 2015. Collection method: clinical testing. Allele origin: germline.
Comment: This variant is classified as likely benign based on ACMG/AMP sequence variant interpretation guidelines (Richards et al. 2015 PMID: 25741868, with internal and published modifications).

Labcorp Genetics (formerly Invitae), Labcorp
Classification: Likely benign for Gorlin syndrome. Last evaluated: 2026-01-14. Review status: criteria provided, single submitter. Criteria: Invitae Variant Classification Sherloc (09022015). Collection method: clinical testing. Allele origin: germline.

Ambry Genetics
Classification: Likely benign for Hereditary cancer-predisposing syndrome. Last evaluated: 2023-01-30. Review status: criteria provided, single submitter. Criteria: Ambry Variant Classification Scheme 2023. Collection method: clinical testing. Allele origin: germline.

GeneDx
Classification: Likely benign. Last evaluated: 2015-11-24. Review status: criteria provided, single submitter. Criteria: GeneDx Variant Classification (06012015). Collection method: clinical testing. Allele origin: germline. Affected: yes.
Comment: This variant is considered likely benign or benign based on one or more of the following criteria: it is a conservative change, it occurs at a poorly conserved position in the protein, it is predicted to be benign by multiple in silico algorithms, and/or has population frequency not consistent with disease.